The following is an entry in ClinVar:

NM_000179.3(MSH6):c.3789C>T (p.Arg1263=)

Gene: MSH6 (mutS homolog 6; plus strand). Cytogenetic location: 2p16.3.
Variant type: single nucleotide variant.
Coding change: c.3789C>T on transcript NM_000179.3 (MANE Select); coding-DNA position 3789, C replaced by T.
Protein change: p.Arg1263=; no amino-acid change (arginine 1263 retained).
Molecular consequence: synonymous variant.
Genome position (GRCh38, 1-based): chr2:47,806,346, C>T. VCF-style: chr2-47806346-C-T. GRCh37 (hg19) VCF-style: chr2-48033485-C-T.
Other names: c.3399C>T, p.Arg1133= (NM_001281492.2); c.2883C>T, p.Arg961= (NM_001281493.2, NM_001281494.2).
Identifiers: ClinVar variation 455285 (VCV000455285.14), dbSNP rs1553333156, ClinGen allele CA346761176.

ClinVar aggregate classification (germline): Benign/Likely benign. Review status: criteria provided, multiple submitters, no conflicts (2 of 4 stars). 4 submissions from 4 submitters: Benign (1); Likely benign (3). Last evaluated 2026-01-26.

Conditions:
Hereditary nonpolyposis colorectal neoplasms. Identifiers: MedGen C0009405, MeSH D003123.
Hereditary cancer-predisposing syndrome. Also called: Hereditary Cancer Syndrome; Hereditary neoplastic syndrome; Neoplastic Syndromes, Hereditary; Tumor predisposition. Identifiers: Orphanet 140162, MedGen C0027672, MeSH D009386, MONDO:0015356.
Lynch syndrome 5 (LYNCH5). Also called: Hereditary non-polyposis colorectal cancer, type 5; Colorectal cancer, hereditary nonpolyposis, type 5. Identifiers: Orphanet 144, MedGen C1833477, MONDO:0013710, OMIM 614350. Disease mechanism: loss of function.

Allele frequency attached by ClinVar (database versions not stated): gnomAD exomes below 0.00001.
gnomAD v4.1: 3 of 1,614,040 alleles (0.00019%); highest among the groups gnomAD compares: Non-Finnish European, 0.00025%; no homozygotes.

Submissions (4):

Labcorp Genetics (formerly Invitae), Labcorp
Classification: Likely benign for Hereditary nonpolyposis colorectal neoplasms. Last evaluated: 2026-01-26. Review status: criteria provided, single submitter. Criteria: Invitae Variant Classification Sherloc (09022015). Collection method: clinical testing. Allele origin: germline.

Ambry Genetics
Classification: Likely benign for Hereditary cancer-predisposing syndrome. Last evaluated: 2025-10-16. Review status: criteria provided, single submitter. Criteria: Ambry Variant Classification Scheme 2023. Collection method: clinical testing. Allele origin: germline.

Myriad Genetics, Inc.
Classification: Benign for Lynch syndrome 5. Last evaluated: 2025-01-08. Review status: criteria provided, single submitter. Criteria: Myriad Autosomal Dominant, Autosomal Recessive and X-Linked Classification Criteria (2023). Collection method: clinical testing. Allele origin: unknown.
Comment: This variant is considered benign. This variant is a silent/synonymous amino acid change and it is not expected to impact splicing.

Sema4
Classification: Likely benign for Hereditary cancer-predisposing syndrome. Last evaluated: 2020-11-11. Review status: criteria provided, single submitter. Criteria: Sema4 Curation Guidelines. Collection method: curation. Allele origin: germline.